The following is an entry in ClinVar:

ClinVar aggregate classification (germline): Pathogenic (1 of 4 stars; one submission).

Conditions:
Hereditary spastic paraplegia 31. Also called: SPASTIC PARAPLEGIA 31, AUTOSOMAL DOMINANT. Identifiers: Orphanet 101011, MedGen C1853247, MONDO:0012453, OMIM 610250.

Submission:

Genomics, Clalit Research Institute, Clalit Health Care
Classification: Pathogenic for Hereditary spastic paraplegia 31. Last evaluated: 2025-07-26. Review status: criteria provided, single submitter. Criteria: ACMG Guidelines, 2015. Collection method: clinical testing. Allele origin: germline. Inheritance: Autosomal dominant inheritance. Affected: yes. Observed: 1 heterozygote.
Comment: Frequency: The variant is absent from the gnomAD reference population dataset. Variant type: Null variant in a gene where LOF is a known mechanism of disease. Predicted to undergo NMD.

NM_001371279.1(REEP1):c.225G>A (p.Trp75Ter)

Gene: REEP1 (receptor accessory protein 1; minus strand). Cytogenetic location: 2p11.2.
Variant type: single nucleotide variant.
Coding change: c.225G>A on transcript NM_001371279.1 (MANE Select); coding-DNA position 225, G replaced by A.
Protein change: p.Trp75Ter; replaces tryptophan 75 with a stop codon.
Molecular consequence: nonsense. On other transcripts: intron variant (1).
Genome position (GRCh38, 1-based): chr2:86,254,772, C>T on the plus strand (G>A on the coding strand, the complement: REEP1 is on the minus strand). VCF-style: chr2-86254772-C-T. GRCh37 (hg19) VCF-style: chr2-86481895-C-T.
Other names: c.246G>A, p.Trp82Ter (NM_001164730.2); c.144G>A, p.Trp48Ter (NM_001164731.2); c.225G>A, p.Trp75Ter (NM_001371280.1, NM_001410855.1, NM_001410856.1 and 1 more transcripts); c.182+9193G>A (NM_001164732.2); short protein forms W48*, W75*, W82*.
Identifiers: ClinVar variation 4075378 (VCV004075378.1).